The following is an entry in ClinVar:

ClinVar aggregate classification (germline): Uncertain significance (1 of 4 stars; one submission).

Submission:

GeneDx
Classification: Uncertain significance. Last evaluated: 2026-05-29. Review status: criteria provided, single submitter. Criteria: GeneDx Variant Classification Process June 2021. Collection method: clinical testing. Allele origin: germline.
Comment: Not observed at significant frequency in large population cohorts (gnomAD); In silico analysis supports that this missense variant has a deleterious effect on protein structure/function; Has not been previously published as pathogenic or benign to our knowledge

NM_152296.5(ATP1A3):c.424G>C (p.Ala142Pro)

Gene: ATP1A3 (ATPase Na+/K+ transporting subunit alpha 3; minus strand). Cytogenetic location: 19q13.2.
Variant type: single nucleotide variant.
Coding change: c.424G>C on transcript NM_152296.5 (MANE Select); coding-DNA position 424, G replaced by C.
Protein change: p.Ala142Pro; replaces alanine 142 with proline.
Molecular consequence: missense variant.
Genome position (GRCh38, 1-based): chr19:41,986,163, C>G on the plus strand (G>C on the coding strand, the complement: ATP1A3 is on the minus strand). VCF-style: chr19-41986163-C-G. GRCh37 (hg19) VCF-style: chr19-42490315-C-G.
Other names: c.457G>C, p.Ala153Pro (NM_001256213.2); c.463G>C, p.Ala155Pro (NM_001256214.2); short protein forms A142P, A153P, A155P.
Identifiers: ClinVar variation 3343415 (VCV003343415.2).